The following is an entry in ClinVar:

ClinVar aggregate classification (germline): Likely benign (1 of 4 stars; one submission).

Conditions:
Malignant hyperthermia, susceptibility to, 1 (MHS1). Also called: Anesthesia related hyperthermia; Malignant hyperpyrexia; Fulminating hyperpyrexia; Pharmacogenic myopathy; RYR1-Related Malignant Hyperthermia Susceptibility; Malignant hyperthermia suceptibility 1. Identifiers: Orphanet 423, MedGen C2930980, MONDO:0007783, OMIM 145600.

Submission:

All of Us Research Program, National Institutes of Health
Classification: Likely benign for Malignant hyperthermia, susceptibility to, 1. Last evaluated: 2023-12-13. Review status: criteria provided, single submitter. Criteria: ACMG Guidelines, 2015. Collection method: clinical testing. Allele origin: germline. Inheritance: Autosomal dominant inheritance. Observed: 1 variant allele, 1 heterozygote.
Comment: This study involves interpretation of variants in research participants for the purpose of population health screening. Participant phenotype was not available at the time of variant classification. Additional details can be found in publication PMID: 35346344, PMCID: PMC8962531

NM_000540.3(RYR1):c.14826T>G (p.Gly4942=)

Gene: RYR1 (ryanodine receptor 1; plus strand). Cytogenetic location: 19q13.2.
Variant type: single nucleotide variant.
Coding change: c.14826T>G on transcript NM_000540.3 (MANE Select); coding-DNA position 14826, T replaced by G.
Protein change: p.Gly4942=; no amino-acid change (glycine 4942 retained).
Molecular consequence: synonymous variant.
Genome position (GRCh38, 1-based): chr19:38,585,960, T>G. VCF-style: chr19-38585960-T-G. GRCh37 (hg19) VCF-style: chr19-39076600-T-G.
Other names: c.14811T>G, p.Gly4937= (NM_001042723.2).
Identifiers: ClinVar variation 3074786 (VCV003074786.1), dbSNP rs2514778746, ClinGen allele CA507246587.